The following is an entry in ClinVar:

NM_021954.4(GJA3):c.92T>A (p.Ile31Asn)

Gene: GJA3 (gap junction protein alpha 3; minus strand). Cytogenetic location: 13q12.11.
Variant type: single nucleotide variant.
Coding change: c.92T>A on transcript NM_021954.4 (MANE Select); coding-DNA position 92, T replaced by A.
Protein change: p.Ile31Asn; replaces isoleucine 31 with asparagine.
Molecular consequence: missense variant.
Genome position (GRCh38, 1-based): chr13:20,143,197, A>T on the plus strand (T>A on the coding strand, the complement: GJA3 is on the minus strand). VCF-style: chr13-20143197-A-T. GRCh37 (hg19) VCF-style: chr13-20717336-A-T.
Other names: short protein forms I31N.
Identifiers: ClinVar variation 3253665 (VCV003253665.1), dbSNP rs2500174440.

ClinVar aggregate classification (germline): Uncertain significance (1 of 4 stars; one submission).

Conditions:
Cataract 14 multiple types. Also called: CATARACT 14, ZONULAR PULVERULENT; CATARACT 14, NUCLEAR PULVERULENT; CATARACT 14, NUCLEAR PULVERULENT AND POSTERIOR POLAR; CATARACT 14, NUCLEAR CORALLIFORM; CATARACT 14, EMBRYONAL NUCLEAR; CATARACT 14, COPPOCK-LIKE. Identifiers: Orphanet 91492, MedGen C1866078, MONDO:0011162, OMIM 601885.

Submission:

Dept. Genetics and Cancer, Menzies Institute for Medical Research, University of Tasmania
Classification: Uncertain significance for Cataract 14 multiple types. Last evaluated: 2023-01-21. Review status: criteria provided, single submitter. Criteria: ACMG Guidelines, 2015. Collection method: curation. Allele origin: germline. Affected: yes.
Comment: Variant identified and curated during a GJA3 specific review of the literature in relation to pediatric or congenital cataract. ACMG-AMP criteria applied: PM1, PM2(Supporting), PP3. Original variant report: PMID:29461140. The cataract phenotype reported for this variant is: Membranous cataract with thick anterior capsule plaque. Additional phenotype/s reported in these individual/s variant are: Microphthalmia and microcornea. Gene review and curation guidelines are outlined in: DOI 10.1080/17469899.2023.2160320

Literature cited by the submitters: PubMed 29461140.